The following is an entry in ClinVar:

ClinVar aggregate classification (germline): Uncertain significance (1 of 4 stars; one submission).

Conditions:
Hereditary cancer-predisposing syndrome. Also called: Neoplastic Syndromes, Hereditary; Tumor predisposition; Hereditary Cancer Syndrome; Hereditary neoplastic syndrome. Identifiers: Orphanet 140162, MedGen C0027672, MeSH D009386, MONDO:0015356.

Submission:

Ambry Genetics
Classification: Uncertain significance for Hereditary cancer-predisposing syndrome. Last evaluated: 2026-05-15. Review status: criteria provided, single submitter. Criteria: Ambry Variant Classification Scheme 2023. Collection method: clinical testing. Allele origin: germline.
Comment: The p.L965P variant (also known as c.2894T>C), located in coding exon 17 of the ALK gene, results from a T to C substitution at nucleotide position 2894. The leucine at codon 965 is replaced by proline, an amino acid with similar properties. This amino acid position is conserved. In addition, this alteration is predicted to be deleterious by in silico analysis. Based on the available evidence, the clinical significance of this variant remains unclear.

NM_004304.5(ALK):c.2894T>C (p.Leu965Pro)

Gene: ALK (ALK receptor tyrosine kinase; minus strand). Cytogenetic location: 2p23.2.
Variant type: single nucleotide variant.
Coding change: c.2894T>C on transcript NM_004304.5 (MANE Select); coding-DNA position 2894, T replaced by C.
Protein change: p.Leu965Pro; replaces leucine 965 with proline.
Molecular consequence: missense variant.
Genome position (GRCh38, 1-based): chr2:29,227,594, A>G on the plus strand (T>C on the coding strand, the complement: ALK is on the minus strand). VCF-style: chr2-29227594-A-G. GRCh37 (hg19) VCF-style: chr2-29450460-A-G.
Other names: short protein forms L965P.
Identifiers: ClinVar variation 4869746 (VCV004869746.1).